The following is an entry in ClinVar:

ClinVar aggregate classification (germline): Uncertain significance (1 of 4 stars; one submission).

Submission:

Labcorp Genetics (formerly Invitae), Labcorp
Classification: Uncertain significance. Last evaluated: 2024-09-03. Review status: criteria provided, single submitter. Criteria: Invitae Variant Classification Sherloc (09022015). Collection method: clinical testing. Allele origin: germline.
Comment: This sequence change falls in intron 19 of the MICAL1 gene. It does not directly change the encoded amino acid sequence of the MICAL1 protein. It affects a nucleotide within the consensus splice site. This variant is not present in population databases (gnomAD no frequency). This variant has not been reported in the literature in individuals affected with MICAL1-related conditions. Variants that disrupt the consensus splice site are a relatively common cause of aberrant splicing (PMID: 17576681, 9536098). Algorithms developed to predict the effect of sequence changes on RNA splicing suggest that this variant is not likely to affect RNA splicing. In summary, the available evidence is currently insufficient to determine the role of this variant in disease. Therefore, it has been classified as a Variant of Uncertain Significance.

Literature cited by the submitters: PubMed 17576681; PubMed 9536098.

NM_022765.4(MICAL1):c.2581+5C>G

Gene: MICAL1 (microtubule associated monooxygenase, calponin and LIM domain containing 1; minus strand). Cytogenetic location: 6q21.
Variant type: single nucleotide variant.
Coding change: c.2581+5C>G on transcript NM_022765.4 (MANE Select); 5 bases into the intron after coding-DNA position 2581, C replaced by G.
Molecular consequence: intron variant.
Genome position (GRCh38, 1-based): chr6:109,446,131, G>C on the plus strand (C>G on the coding strand, the complement: MICAL1 is on the minus strand). VCF-style: chr6-109446131-G-C. GRCh37 (hg19) VCF-style: chr6-109767334-G-C.
Other names: c.2638+5C>G (NM_001286613.2); c.2323+5C>G (NM_001159291.2).
Identifiers: ClinVar variation 3694143 (VCV003694143.2).